The following is an entry in ClinVar:

ClinVar aggregate classification (germline): Uncertain significance. Review status: criteria provided, multiple submitters, no conflicts (2 of 4 stars). 2 submissions from 2 submitters: Uncertain significance (2). Last evaluated 2025-05-02.

Conditions:
RASopathy. Also called: rasopathies; Noonan spectrum disorder. Identifiers: Orphanet 536391, MedGen C5555857, MONDO:0021060.

gnomAD v4.1: 1 of 1,612,610 alleles (0.000062%); highest among the groups gnomAD compares: Non-Finnish European, 0.000085%; no homozygotes.

Submissions (2):

GeneDx
Classification: Uncertain significance. Last evaluated: 2025-05-02. Review status: criteria provided, single submitter. Criteria: GeneDx Variant Classification Process June 2021. Collection method: clinical testing. Allele origin: germline. Affected: yes.
Comment: Not observed at significant frequency in large population cohorts (gnomAD); Missense variants in this gene are a common cause of disease and they are underrepresented in the general population; In silico analysis supports that this missense variant has a deleterious effect on protein structure/function; Has not been previously published as pathogenic or benign to our knowledge

Labcorp Genetics (formerly Invitae), Labcorp
Classification: Uncertain significance for RASopathy. Last evaluated: 2024-05-04. Review status: criteria provided, single submitter. Criteria: Invitae Variant Classification Sherloc (09022015). Collection method: clinical testing. Allele origin: germline.
Comment: This sequence change replaces tyrosine, which is neutral and polar, with histidine, which is basic and polar, at codon 96 of the NRAS protein (p.Tyr96His). This variant is not present in population databases (gnomAD no frequency). This variant has not been reported in the literature in individuals affected with NRAS-related conditions. Advanced modeling of protein sequence and biophysical properties (such as structural, functional, and spatial information, amino acid conservation, physicochemical variation, residue mobility, and thermodynamic stability) performed at Invitae indicates that this missense variant is expected to disrupt NRAS protein function with a positive predictive value of 95%. In summary, the available evidence is currently insufficient to determine the role of this variant in disease. Therefore, it has been classified as a Variant of Uncertain Significance.

NM_002524.5(NRAS):c.286T>C (p.Tyr96His)

Gene: NRAS (NRAS proto-oncogene, GTPase; minus strand). Cytogenetic location: 1p13.2.
Variant type: single nucleotide variant.
Coding change: c.286T>C on transcript NM_002524.5 (MANE Select); coding-DNA position 286, T replaced by C.
Protein change: p.Tyr96His; replaces tyrosine 96 with histidine.
Molecular consequence: missense variant.
Genome position (GRCh38, 1-based): chr1:114,713,804, A>G on the plus strand (T>C on the coding strand, the complement: NRAS is on the minus strand). VCF-style: chr1-114713804-A-G. GRCh37 (hg19) VCF-style: chr1-115256425-A-G.
Other names: short protein forms Y96H.
Identifiers: ClinVar variation 3633595 (VCV003633595.3).